The following is an entry in ClinVar:

NM_002979.5(SCP2):c.1466C>G (p.Ser489Ter)

Gene: SCP2 (sterol carrier protein 2; plus strand). Cytogenetic location: 1p32.3.
Variant type: single nucleotide variant.
Coding change: c.1466C>G on transcript NM_002979.5 (MANE Select); coding-DNA position 1466, C replaced by G.
Protein change: p.Ser489Ter; replaces serine 489 with a stop codon.
Molecular consequence: nonsense. On other transcripts: intron variant (1).
Genome position (GRCh38, 1-based): chr1:53,039,044, C>G. VCF-style: chr1-53039044-C-G. GRCh37 (hg19) VCF-style: chr1-53504716-C-G.
Other names: c.254C>G, p.Ser85Ter (NM_001007099.3); c.245C>G, p.Ser82Ter (NM_001007100.3); c.1394C>G, p.Ser465Ter (NM_001193599.2); c.1334C>G, p.Ser445Ter (NM_001193600.2); c.1223C>G, p.Ser408Ter (NM_001193617.2); c.127-8814C>G (NM_001007250.3); short protein forms S85*, S445*, S465*, S408*, S489*, S82*.
Identifiers: ClinVar variation 4988928 (VCV004988928.1).

ClinVar aggregate classification (germline): Uncertain significance (1 of 4 stars; one submission).

Conditions:
SCP2-related disorder. Also called: SCP2-related condition.

gnomAD v4.1: 3 of 1,613,996 alleles (0.00019%); highest among the groups gnomAD compares: African/African-American, 0.004%; no homozygotes.

Submission:

PreventionGenetics, part of Exact Sciences
Classification: Uncertain significance for SCP2-related condition. Last evaluated: 2026-03-05. Review status: criteria provided, single submitter. Criteria: ACMG Guidelines, 2015. Collection method: clinical testing. Allele origin: germline.
Comment: The SCP2 c.1466C>G variant is predicted to result in premature protein termination (p.Ser489*). To our knowledge, this variant has not been reported in the literature. This variant is reported in 0.023% of alleles in individuals of African descent in gnomAD. Although we suspect that this variant may be pathogenic, at this time, the clinical significance of this variant is uncertain due to the absence of conclusive functional and genetic evidence.